The following is an entry in ClinVar:

NM_006206.6(PDGFRA):c.2282T>G (p.Leu761Arg)

Gene: PDGFRA (platelet derived growth factor receptor alpha; plus strand). Cytogenetic location: 4q12.
Variant type: single nucleotide variant.
Coding change: c.2282T>G on transcript NM_006206.6 (MANE Select); coding-DNA position 2282, T replaced by G.
Protein change: p.Leu761Arg; replaces leucine 761 with arginine.
Molecular consequence: missense variant.
Genome position (GRCh38, 1-based): chr4:54,280,441, T>G. VCF-style: chr4-54280441-T-G. GRCh37 (hg19) VCF-style: chr4-55146608-T-G.
Other names: c.2282T>G, p.Leu761Arg (NM_001347827.2, NM_001347829.2); c.2357T>G, p.Leu786Arg (NM_001347828.2); c.2321T>G, p.Leu774Arg (NM_001347830.2); short protein forms L761R, L786R, L774R.
Identifiers: ClinVar variation 135016 (VCV000135016.31), dbSNP rs148654387, ClinGen allele CA161408.

ClinVar aggregate classification (germline): Benign. Review status: criteria provided, multiple submitters, no conflicts (2 of 4 stars). 6 submissions from 6 submitters: Benign (4). 2 of the submissions do not count toward it. Last evaluated 2026-02-04.

Conditions:
Hereditary cancer-predisposing syndrome. Also called: Tumor predisposition; Hereditary neoplastic syndrome; Hereditary Cancer Syndrome; Neoplastic Syndromes, Hereditary. Identifiers: Orphanet 140162, MedGen C0027672, MeSH D009386, MONDO:0015356.
Gastrointestinal stromal tumor. Also called: Gastrointestinal stromal tumor, somatic; Gastrointestinal stroma tumor. Identifiers: Orphanet 44890, MedGen C0238198, MeSH D046152, MONDO:0011719, OMIM 606764, HP:0100723.

Allele frequency attached by ClinVar (database versions not stated): ESP Exome Variant Server 0.00023; gnomAD exomes 0.00052 and 0.00227; gnomAD 0.00126 and 0.00139; ExAC 0.00163; 1000 Genomes Project 0.00240; TOPMed 0.00285; 1000 Genomes Project 30x 0.00312.
gnomAD v4.1: 994 of 1,613,826 alleles (0.062%); highest among the groups gnomAD compares: Admixed American, 1.5%; 16 homozygotes.

Submissions (6):

Labcorp Genetics (formerly Invitae), Labcorp
Classification: Benign for Gastrointestinal stromal tumor. Last evaluated: 2026-02-04. Review status: criteria provided, single submitter. Criteria: Invitae Variant Classification Sherloc (09022015). Collection method: clinical testing. Allele origin: germline.

CeGaT Center for Human Genetics Tuebingen
Classification: Benign. Last evaluated: 2025-02-01. Review status: criteria provided, single submitter. Criteria: CeGaT Center For Human Genetics Tuebingen Variant Classification Criteria Version 2. Collection method: clinical testing. Allele origin: germline. Affected: yes. Observed: 1 variant allele.
Comment: PDGFRA: BP4, BS1, BS2

Ambry Genetics
Classification: Benign for Hereditary cancer-predisposing syndrome. Last evaluated: 2018-11-08. Review status: criteria provided, single submitter. Criteria: Ambry Variant Classification Scheme 2023. Collection method: clinical testing. Allele origin: germline.

Breakthrough Genomics
Classification: Benign. Review status: criteria provided, single submitter. Criteria: ACMG Guidelines, 2015. Collection method: not provided. Allele origin: germline. Inheritance: Autosomal dominant inheritance. Affected: yes.

ITMI
No classification provided. Condition: AllHighlyPenetrant. Last evaluated: 2013-09-19. Review status: no classification provided. Collection method: reference population. Allele origin: germline. Not counted in ClinVar's aggregate classification.
Comment: Please see associated publication for description of ethnicities

Department of Pathology and Laboratory Medicine, Sinai Health System
Classification: Likely benign. Review status: no assertion criteria provided. Collection method: clinical testing. Allele origin: unknown. Affected: yes. Study: The Canadian Open Genetics Repository (COGR). Not counted in ClinVar's aggregate classification.
Comment: The PDGFRA p.Leu786Arg variant was identified in dbSNP (ID: rs148654387) and ClinVar (classified as benign by Invitae in 2018) but was not identified in Cosmic or LOVD 3.0. The variant was identified in control databases in 581 of 282518 chromosomes (8 homozygous) at a frequency of 0.002057 increasing the likelihood this could be a low frequency benign variant (Genome Aggregation Database Feb 27, 2017). The variant was observed in the following populations: Latino in 563 of 35410 chromosomes (freq: 0.0159), Other in 13 of 7208 chromosomes (freq: 0.001804), African in 2 of 24974 chromosomes (freq: 0.00008), South Asian in 2 of 30604 chromosomes (freq: 0.000065) and European (non-Finnish) in 1 of 128928 chromosomes (freq: 0.000008); it was not observed in the Ashkenazi Jewish, East Asian, and European (Finnish) populations. The p.Leu786Arg variant was identified in a cohort of 681 healthy adults at allele frequency 0.0029 (0.0169 among Hispanic adults) (Bodian_2014_PMID: 24728327). The variant occurs outside of the splicing consensus sequence and in silico or computational prediction software programs (SpliceSiteFinder, MaxEntScan, NNSPLICE, GeneSplicer) do not predict a difference in splicing. The p.Leu786 residue is conserved in mammals and computational analyses (PolyPhen-2, SIFT, AlignGVGD, BLOSUM, MutationTaster) provide inconsistent predictions regarding the impact to the protein; this information is not very predictive of pathogenicity. In summary, based on the above information the clinical significance of this variant cannot be determined with certainty at this time although we would lean towards a more benign role for this variant. This variant is classified as likely benign.

Literature cited by the submitters: PubMed 24728327 (cited by ITMI).